The following is an entry in ClinVar:

ClinVar aggregate classification (germline): Uncertain significance. Review status: criteria provided, multiple submitters, no conflicts (2 of 4 stars). 4 submissions from 4 submitters: Uncertain significance (4). Last evaluated 2024-08-13.

Conditions:
Immunodeficiency 67. Also called: Immunodeficiency due to interleukin-1 receptor-associated kinase-4 deficiency. Identifiers: Orphanet 70592, MedGen C1843256, MONDO:0011888, OMIM 607676.

Allele frequency attached by ClinVar (database versions not stated): ExAC 0.00002; gnomAD exomes 0.00004; 1000 Genomes Project 30x 0.00016; gnomAD 0.00016; TOPMed 0.00018; 1000 Genomes Project 0.00020.
gnomAD v4.1: 124 of 1,610,716 alleles (0.0077%); highest among the groups gnomAD compares: Middle Eastern, 0.12%; no homozygotes.

Submissions (4):

Blueprint Genetics
Classification: Uncertain significance. Last evaluated: 2024-08-13. Review status: criteria provided, single submitter. Criteria: ACMG Guidelines, 2015. Collection method: clinical testing. Allele origin: germline.

Labcorp Genetics (formerly Invitae), Labcorp
Classification: Uncertain significance for Immunodeficiency 67. Last evaluated: 2023-12-25. Review status: criteria provided, single submitter. Criteria: Invitae Variant Classification Sherloc (09022015). Collection method: clinical testing. Allele origin: germline.
Comment: This sequence change replaces aspartic acid, which is acidic and polar, with asparagine, which is neutral and polar, at codon 231 of the IRAK4 protein (p.Asp231Asn). This variant is present in population databases (rs111935971, gnomAD 0.02%). This variant has not been reported in the literature in individuals affected with IRAK4-related conditions. ClinVar contains an entry for this variant (Variation ID: 533526). Advanced modeling of protein sequence and biophysical properties (such as structural, functional, and spatial information, amino acid conservation, physicochemical variation, residue mobility, and thermodynamic stability) performed at Invitae indicates that this missense variant is not expected to disrupt IRAK4 protein function with a negative predictive value of 80%. In summary, the available evidence is currently insufficient to determine the role of this variant in disease. Therefore, it has been classified as a Variant of Uncertain Significance.

Illumina Laboratory Services, Illumina
Classification: Uncertain significance for Immunodeficiency 67. Last evaluated: 2018-01-13. Review status: criteria provided, single submitter. Criteria: ICSL Variant Classification Criteria 13 December 2019. Collection method: clinical testing. Allele origin: germline.

Breakthrough Genomics
Classification: Uncertain significance. Review status: criteria provided, single submitter. Criteria: ACMG Guidelines, 2015. Collection method: not provided. Allele origin: germline. Inheritance: Autosomal recessive inheritance. Affected: yes.

NM_016123.4(IRAK4):c.691G>A (p.Asp231Asn)

Gene: IRAK4 (interleukin 1 receptor associated kinase 4; plus strand). Cytogenetic location: 12q12.
Variant type: single nucleotide variant.
Coding change: c.691G>A on transcript NM_016123.4 (MANE Select); coding-DNA position 691, G replaced by A.
Protein change: p.Asp231Asn; replaces aspartic acid 231 with asparagine.
Molecular consequence: missense variant.
Genome position (GRCh38, 1-based): chr12:43,774,004, G>A. VCF-style: chr12-43774004-G-A. GRCh37 (hg19) VCF-style: chr12-44167807-G-A.
Other names: c.691G>A, p.Asp231Asn (NM_001114182.3, NM_001351345.2); c.319G>A, p.Asp107Asn (NM_001145256.2, NM_001145257.2, NM_001145258.2 and 5 more transcripts); c.82G>A, p.Asp28Asn (NM_001351343.2, NM_001351344.2); short protein forms D231N, D107N, D28N.
Identifiers: ClinVar variation 533526 (VCV000533526.10), dbSNP rs111935971, ClinGen allele CA6522447.